The following is an entry in ClinVar:

NM_000258.3(MYL3):c.330C>A (p.Asp110Glu)

Gene: MYL3 (myosin light chain 3; minus strand). Cytogenetic location: 3p21.31.
Variant type: single nucleotide variant.
Coding change: c.330C>A on transcript NM_000258.3 (MANE Select); coding-DNA position 330, C replaced by A.
Protein change: p.Asp110Glu; replaces aspartic acid 110 with glutamic acid.
Molecular consequence: missense variant.
Genome position (GRCh38, 1-based): chr3:46,859,626, G>T on the plus strand (C>A on the coding strand, the complement: MYL3 is on the minus strand). VCF-style: chr3-46859626-G-T. GRCh37 (hg19) VCF-style: chr3-46901116-G-T.
Other names: c.330C>A, p.Asp110Glu (NM_001406937.1, NM_001406938.1, NM_001406939.1); c.156C>A, p.Asp52Glu (NM_001406940.1, NM_001406941.1); short protein forms D110E, D52E.
Identifiers: ClinVar variation 3387379 (VCV003387379.1).
Genomic context (GRCh38, chr3:46,859,626, plus strand): 5'-ATAGGTGCCTGTGTCCTTGTTCTTGGAAATGTGCTGGAGCATAGGCAGGAAAGTTTCAAA[G>T]TCCATCATCTTGGTATTGAGCTCTGCAGAGAAATGGTCCCAGGTTCCAGGGTCTAAGGCT-3'
Protein context (NP_000249.1, residues 100-120): RQEELNTKMM[Asp110Glu]FETFLPMLQH

ClinVar aggregate classification (germline): Uncertain significance (1 of 4 stars; one submission).

Conditions:
Hypertrophic cardiomyopathy. Also called: HYPERTROPHIC MYOCARDIOPATHY. Identifiers: Orphanet 217569, MedGen C0007194, MeSH D002312, MONDO:0005045, HP:0001639.

gnomAD v4.1: 2 of 1,614,224 alleles (0.00012%); highest among the groups gnomAD compares: Non-Finnish European, 0.00017%; no homozygotes.

Submission:

All of Us Research Program, National Institutes of Health
Classification: Uncertain significance for Hypertrophic cardiomyopathy. Last evaluated: 2024-02-22. Review status: criteria provided, single submitter. Criteria: ACMG Guidelines, 2015. Collection method: clinical testing. Allele origin: germline. Inheritance: Autosomal dominant inheritance. Observed: 1 variant allele, 1 heterozygote.
Comment: This missense variant replaces aspartic acid with glutamic acid at codon 110 of the MYL3 protein. Computational prediction suggests that this variant may not impact protein structure and function (internally defined REVEL score threshold <= 0.5, PMID: 27666373). To our knowledge, functional studies have not been reported for this variant. This variant has not been reported in individuals affected with MYL3-related disorders in the literature. This variant has not been identified in the general population by the Genome Aggregation Database (gnomAD). The available evidence is insufficient to determine the role of this variant in disease conclusively. Therefore, this variant is classified as a Variant of Uncertain Significance.

This study involves interpretation of variants in research participants for the purpose of population health screening. Participant phenotype was not available at the time of variant classification. Additional details can be found in publication PMID: 35346344, PMCID: PMC8962531